The following is an entry in ClinVar:

NM_004329.3(BMPR1A):c.963G>A (p.Leu321=)

Gene: BMPR1A (bone morphogenetic protein receptor type 1A; plus strand). Cytogenetic location: 10q23.2.
Variant type: single nucleotide variant.
Coding change: c.963G>A on transcript NM_004329.3 (MANE Select); coding-DNA position 963, G replaced by A.
Protein change: p.Leu321=; no amino-acid change (leucine 321 retained).
Molecular consequence: synonymous variant. On other transcripts: non-coding transcript variant (3).
Genome position (GRCh38, 1-based): chr10:86,919,266, G>A. VCF-style: chr10-86919266-G-A. GRCh37 (hg19) VCF-style: chr10-88679023-G-A.
Other names: c.963G>A, p.Leu321= (NM_001406570.1, NM_001406571.1, NM_001406572.1 and 19 more transcripts); c.957G>A, p.Leu319= (NM_001406583.1); c.879G>A, p.Leu293= (NM_001406584.1, NM_001406585.1, NM_001406586.1 and 2 more transcripts); c.621G>A, p.Leu207= (NM_001406589.1); c.1038G>A, p.Leu346= (NM_001406559.1); c.1011G>A, p.Leu337= (NM_001406560.1).
Identifiers: ClinVar variation 3378647 (VCV003378647.3).
Genomic context (GRCh38, chr10:86,919,266, plus strand): 5'-CTGGACTCAGCTCTATTTGATTACTGATTACCATGAAAATGGATCTCTCTATGACTTCCT[G>A]AAATGTGCTACACTGGACACCAGAGCCCTGCTTAAATTGGCTTATTCAGCTGCCTGTGGT-3'
Protein context (NP_004320.2, residues 311-331): YHENGSLYDF[Leu321=]KCATLDTRAL

ClinVar aggregate classification (germline): Benign/Likely benign. Review status: criteria provided, multiple submitters, no conflicts (2 of 4 stars). 2 submissions from 2 submitters: Benign (1); Likely benign (1). Last evaluated 2024-08-05.

Conditions:
Juvenile polyposis syndrome (JPS). Identifiers: Orphanet 2929, MedGen C0345893, MONDO:0017380, OMIM 174900.

Submissions (2):

Myriad Genetics, Inc.
Classification: Benign for Juvenile polyposis syndrome. Last evaluated: 2024-08-05. Review status: criteria provided, single submitter. Criteria: Myriad Autosomal Dominant, Autosomal Recessive and X-Linked Classification Criteria (2023). Collection method: clinical testing. Allele origin: unknown.
Comment: This variant is considered benign. This variant is a silent/synonymous amino acid change and it is not expected to impact splicing.

Labcorp Genetics (formerly Invitae), Labcorp
Classification: Likely benign for Juvenile polyposis syndrome. Last evaluated: 2024-06-09. Review status: criteria provided, single submitter. Criteria: Invitae Variant Classification Sherloc (09022015). Collection method: clinical testing. Allele origin: germline.